The following is an entry in ClinVar:

NM_000497.4(CYP11B1):c.375C>G (p.His125Gln)

Gene: CYP11B1 (cytochrome P450 family 11 subfamily B member 1; minus strand). Cytogenetic location: 8q24.3.
Variant type: single nucleotide variant.
Coding change: c.375C>G on transcript NM_000497.4 (MANE Select); coding-DNA position 375, C replaced by G.
Protein change: p.His125Gln; replaces histidine 125 with glutamine.
Molecular consequence: missense variant.
Genome position (GRCh38, 1-based): chr8:142,879,052, G>C on the plus strand (C>G on the coding strand, the complement: CYP11B1 is on the minus strand). VCF-style: chr8-142879052-G-C. GRCh37 (hg19) VCF-style: chr8-143960468-G-C.
Other names: c.375C>G, p.His125Gln (NM_001026213.1); short protein forms H125Q.
Identifiers: ClinVar variation 362166 (VCV000362166.17), dbSNP rs201137503, ClinGen allele CA4905542.

ClinVar aggregate classification (germline): Conflicting classifications of pathogenicity. Review status: criteria provided, conflicting classifications (1 of 4 stars). 5 submissions from 4 submitters: Uncertain significance (3); Benign (1); Likely benign (1). Last evaluated 2026-01-19.

Conditions:
Glucocorticoid-remediable aldosteronism. Also called: Hyperaldosteronism, familial, type I; ACTH-DEPENDENT HYPERALDOSTERONISM SYNDROME; ALDOSTERONISM, SENSITIVE TO DEXAMETHASONE; FH I; GLUCOCORTICOID-SUPPRESSIBLE HYPERALDOSTERONISM. Identifiers: Orphanet 403, MedGen C3838731, MONDO:0007080, OMIM 103900.
Inborn genetic diseases. Identifiers: MedGen C0950123, MeSH D030342.
Deficiency of steroid 11-beta-monooxygenase (CYP11B1). Also called: ADRENAL HYPERPLASIA, CONGENITAL, DUE TO STEROID 11-BETA-HYDROXYLASE DEFICIENCY; 11-BETA-HYDROXYLASE DEFICIENCY; ADRENAL HYPERPLASIA IV; P450C11B1 DEFICIENCY; STEROID 11-BETA-HYDROXYLASE DEFICIENCY; Congenital adrenal hyperplasia due to 11-beta-hydroxylase deficiency. Identifiers: Orphanet 90795, MedGen C0268292, MONDO:0008729, OMIM 202010. Disease mechanism: loss of function.

Allele frequency attached by ClinVar (database versions not stated): gnomAD exomes 0.00010 and 0.00024; TOPMed 0.00012; gnomAD 0.00015 and 0.00016; ExAC 0.00020; ESP Exome Variant Server 0.00023.
gnomAD v4.1: 182 of 1,614,022 alleles (0.011%); highest among the groups gnomAD compares: Non-Finnish European, 0.0017%; 1 homozygote.

Submissions (5):

Labcorp Genetics (formerly Invitae), Labcorp
Classification: Likely benign. Last evaluated: 2026-01-19. Review status: criteria provided, single submitter. Criteria: Invitae Variant Classification Sherloc (09022015). Collection method: clinical testing. Allele origin: germline.

Ambry Genetics
Classification: Uncertain significance for Inborn genetic diseases. Last evaluated: 2023-12-12. Review status: criteria provided, single submitter. Criteria: Ambry Variant Classification Scheme 2023. Collection method: clinical testing. Allele origin: germline.

Department of Pathology and Laboratory Medicine, Sinai Health System
Classification: Uncertain significance for congenital adrenal hyperplasia due to 11-beta-hydroxylase deficiency. Last evaluated: 2020-07-17. Review status: criteria provided, single submitter. Criteria: ACMG Guidelines, 2015. Collection method: research. Allele origin: germline.

Illumina Laboratory Services, Illumina
Classification: Benign for Glucocorticoid-remediable aldosteronism. Last evaluated: 2018-01-13. Review status: criteria provided, single submitter. Criteria: ICSL Variant Classification Criteria 13 December 2019. Collection method: clinical testing. Allele origin: germline.
Comment: This variant was observed in the ICSL laboratory as part of a predisposition screen in an ostensibly healthy population. It had not been previously curated by ICSL or reported in the Human Gene Mutation Database (HGMD: prior to June 1st, 2018), and was therefore a candidate for classification through an automated scoring system. Utilizing variant allele frequency, disease prevalence and penetrance estimates, and inheritance mode, an automated score was calculated to assess if this variant is too frequent to cause the disease. Based on the score and internal cut-off values, a variant classified as benign is not then subjected to further curation. The score for this variant resulted in a classification of benign for this disease.

Illumina Laboratory Services, Illumina
Classification: Uncertain significance for Deficiency of steroid 11-beta-monooxygenase. Last evaluated: 2018-01-13. Review status: criteria provided, single submitter. Criteria: ICSL Variant Classification Criteria 13 December 2019. Collection method: clinical testing. Allele origin: germline.